The following is an entry in ClinVar:

NM_145290.4(ADGRA3):c.182G>A (p.Gly61Asp)

Gene: ADGRA3 (adhesion G protein-coupled receptor A3; minus strand). Cytogenetic location: 4p15.2.
Variant type: single nucleotide variant.
Coding change: c.182G>A on transcript NM_145290.4 (MANE Select); coding-DNA position 182, G replaced by A.
Protein change: p.Gly61Asp; replaces glycine 61 with aspartic acid.
Molecular consequence: missense variant.
Genome position (GRCh38, 1-based): chr4:22,515,603, C>T on the plus strand (G>A on the coding strand, the complement: ADGRA3 is on the minus strand). VCF-style: chr4-22515603-C-T. GRCh37 (hg19) VCF-style: chr4-22517226-C-T.
Other names: short protein forms G61D.
Identifiers: ClinVar variation 1485638 (VCV001485638.8), dbSNP rs1450022332, ClinGen allele CA356507697.

ClinVar aggregate classification (germline): Uncertain significance (1 of 4 stars; one submission).

Submission:

Labcorp Genetics (formerly Invitae), Labcorp
Classification: Uncertain significance. Last evaluated: 2021-07-15. Review status: criteria provided, single submitter. Criteria: Invitae Variant Classification Sherloc (09022015). Collection method: clinical testing. Allele origin: germline.
Comment: This variant has not been reported in the literature in individuals affected with ADGRA3-related conditions. This sequence change replaces glycine with aspartic acid at codon 61 of the ADGRA3 protein (p.Gly61Asp). The glycine residue is weakly conserved and there is a moderate physicochemical difference between glycine and aspartic acid. This variant is not present in population databases (ExAC no frequency). Algorithms developed to predict the effect of missense changes on protein structure and function are either unavailable or do not agree on the potential impact of this missense change (SIFT: "Tolerated"; PolyPhen-2: "Probably Damaging"; Align-GVGD: "Class C0"). In summary, the available evidence is currently insufficient to determine the role of this variant in disease. Therefore, it has been classified as a Variant of Uncertain Significance.